The following is an entry in ClinVar:

ClinVar aggregate classification (germline): Uncertain significance (1 of 4 stars; one submission).

Conditions:
Hypertrophic cardiomyopathy. Also called: HYPERTROPHIC MYOCARDIOPATHY. Identifiers: Orphanet 217569, MedGen C0007194, MeSH D002312, MONDO:0005045, HP:0001639.

gnomAD v4.1: 1 of 1,404,280 alleles (0.000071%); highest among the groups gnomAD compares: Non-Finnish European, 0.000092%; no homozygotes.

Submission:

Labcorp Genetics (formerly Invitae), Labcorp
Classification: Uncertain significance for Hypertrophic cardiomyopathy. Last evaluated: 2025-08-25. Review status: criteria provided, single submitter. Criteria: Invitae Variant Classification Sherloc (09022015). Collection method: clinical testing. Allele origin: germline.
Comment: This sequence change replaces serine, which is neutral and polar, with cysteine, which is neutral and slightly polar, at codon 484 of the JPH2 protein (p.Ser484Cys). This variant is not present in population databases (gnomAD no frequency). This variant has not been reported in the literature in individuals affected with JPH2-related conditions. An algorithm developed to predict the effect of missense changes on protein structure and function (PolyPhen-2) suggests that this variant is likely to be tolerated. In summary, the available evidence is currently insufficient to determine the role of this variant in disease. Therefore, it has been classified as a Variant of Uncertain Significance.

NM_020433.5(JPH2):c.1451C>G (p.Ser484Cys)

Gene: JPH2 (junctophilin 2; minus strand). Cytogenetic location: 20q13.12.
Variant type: single nucleotide variant.
Coding change: c.1451C>G on transcript NM_020433.5 (MANE Select); coding-DNA position 1451, C replaced by G.
Protein change: p.Ser484Cys; replaces serine 484 with cysteine.
Molecular consequence: missense variant.
Genome position (GRCh38, 1-based): chr20:44,116,224, G>C on the plus strand (C>G on the coding strand, the complement: JPH2 is on the minus strand). VCF-style: chr20-44116224-G-C. GRCh37 (hg19) VCF-style: chr20-42744864-G-C.
Other names: short protein forms S484C.
Identifiers: ClinVar variation 4726010 (VCV004726010.1).